The following is an entry in ClinVar:

ClinVar aggregate classification (germline): Uncertain significance. Review status: criteria provided, multiple submitters, no conflicts (2 of 4 stars). 3 submissions from 3 submitters: Uncertain significance (3). Last evaluated 2024-11-27.

Conditions:
Diamond-Blackfan anemia. Also called: Blackfan Diamond syndrome; Aregenerative anemia chronic congenital; Red cell aplasia, pure hereditary; Congenital hypoplastic anemia; Aase syndrome. Identifiers: Orphanet 124, MedGen C1260899, MeSH D029503, MONDO:0015253, HP:0004810.
Diamond-Blackfan anemia 6 (DBA6). Also called: RPL5-Related Diamond-Blackfan Anemia. Identifiers: Orphanet 124, MedGen C2931850, MONDO:0012937, OMIM 612561.

Allele frequency attached by ClinVar (database versions not stated): gnomAD 0.00001; gnomAD exomes 0.00001 and 0.00005; ExAC 0.00001; TOPMed 0.00004.
gnomAD v4.1: 73 of 1,612,358 alleles (0.0045%); highest among the groups gnomAD compares: Middle Eastern, 0.021%; no homozygotes.

Submissions (3):

Revvity Omics, Revvity
Classification: Uncertain significance for Diamond-Blackfan anemia 6. Last evaluated: 2024-11-27. Review status: criteria provided, single submitter. Criteria: ACMG Guidelines, 2015. Collection method: clinical testing. Allele origin: germline.

Labcorp Genetics (formerly Invitae), Labcorp
Classification: Uncertain significance for Diamond-Blackfan anemia. Last evaluated: 2024-08-10. Review status: criteria provided, single submitter. Criteria: Invitae Variant Classification Sherloc (09022015). Collection method: clinical testing. Allele origin: germline.
Comment: This sequence change replaces arginine, which is basic and polar, with glutamine, which is neutral and polar, at codon 196 of the RPL5 protein (p.Arg196Gln). This variant is present in population databases (rs771013653, gnomAD 0.005%). This missense change has been observed in individual(s) with clinical features of Diamond-Blackfan anemia (PMID: 30503522). ClinVar contains an entry for this variant (Variation ID: 1346567). Advanced modeling of protein sequence and biophysical properties (such as structural, functional, and spatial information, amino acid conservation, physicochemical variation, residue mobility, and thermodynamic stability) performed at Invitae indicates that this missense variant is not expected to disrupt RPL5 protein function with a negative predictive value of 80%. In summary, the available evidence is currently insufficient to determine the role of this variant in disease. Therefore, it has been classified as a Variant of Uncertain Significance.

Fulgent Genetics
Classification: Uncertain significance for Diamond-Blackfan anemia 6. Last evaluated: 2024-04-24. Review status: criteria provided, single submitter. Criteria: ACMG Guidelines, 2015. Collection method: clinical testing. Allele origin: germline.

Literature cited by the submitters: PubMed 30503522 (cited by Labcorp Genetics (formerly Invitae), Labcorp).

NM_000969.5(RPL5):c.587G>A (p.Arg196Gln)

Genes: DIPK1A (divergent protein kinase domain 1A; minus strand), RPL5 (ribosomal protein L5; plus strand). Cytogenetic location: 1p22.1.
Variant type: single nucleotide variant.
Coding change: c.587G>A on transcript NM_000969.5 (MANE Select); coding-DNA position 587, G replaced by A.
Protein change: p.Arg196Gln; replaces arginine 196 with glutamine.
Molecular consequence: missense variant. On other transcripts: non-coding transcript variant (1), intron variant (1).
Genome position (GRCh38, 1-based): chr1:92,837,515, G>A. VCF-style: chr1-92837515-G-A. GRCh37 (hg19) VCF-style: chr1-93303072-G-A.
Other names: c.475-4481C>T (NM_001252273.2); short protein forms R196Q.
Identifiers: ClinVar variation 1346567 (VCV001346567.11), dbSNP rs771013653, ClinGen allele CA952524.